The following is an entry in ClinVar:

NM_001110556.2(FLNA):c.3611C>T (p.Pro1204Leu)

Gene: FLNA (filamin A; minus strand). Cytogenetic location: Xq28.
Variant type: single nucleotide variant.
Coding change: c.3611C>T on transcript NM_001110556.2 (MANE Select); coding-DNA position 3611, C replaced by T.
Protein change: p.Pro1204Leu; replaces proline 1204 with leucine.
Molecular consequence: missense variant.
Genome position (GRCh38, 1-based): chrX:154,360,184, G>A on the plus strand (C>T on the coding strand, the complement: FLNA is on the minus strand). VCF-style: chrX-154360184-G-A. GRCh37 (hg19) VCF-style: chrX-153588552-G-A.
Other names: c.3611C>T, p.Pro1204Leu (NM_001456.4); short protein forms P1204L.
Identifiers: ClinVar variation 533565 (VCV000533565.18), dbSNP rs376726422, ClinGen allele CA10560685.

ClinVar aggregate classification (germline): Benign/Likely benign. Review status: criteria provided, multiple submitters, no conflicts (2 of 4 stars). 3 submissions from 3 submitters: Benign (1); Likely benign (2). Last evaluated 2026-07-06.

Conditions:
Melnick-Needles syndrome (MNS). Also called: OSTEODYSPLASTY OF MELNICK AND NEEDLES; Melnick-Needles Syndrome (FLNA-MNS); MELNICK-NEEDLES OSTEODYSPLASTY. Identifiers: Orphanet 2484, MedGen C0025237, MONDO:0010650, OMIM 309350.
Heterotopia, periventricular, X-linked dominant (PVNH1). Also called: PERIVENTRICULAR NODULAR HETEROTOPIA 1; X-linked periventricular heterotopia; PERIVENTRICULAR NODULAR HETEROTOPIA 4; HETEROTOPIA, PERIVENTRICULAR, 1. Identifiers: Orphanet 2149, Orphanet 82004, MedGen C1848213, MONDO:0010233, OMIM 300049.
Oto-palato-digital syndrome, type II (OPD2). Also called: FACIOPALATOOSSEOUS SYNDROME; OPD II SYNDROME; Otopalatodigital Syndrome, Type II; Otopalatodigital Syndrome Type 2 (FLNA-OPD2). Identifiers: Orphanet 669, Orphanet 90652, MedGen C1844696, MONDO:0010571, OMIM 304120.
Frontometaphyseal dysplasia (FMD1). Identifiers: Orphanet 1826, MedGen C0265293, MONDO:0015942.
Familial thoracic aortic aneurysm and aortic dissection (TAAD). Also called: Thoracic aortic aneurysms and dissections. Identifiers: Orphanet 91387, MedGen C4707243, MONDO:0019625.

Allele frequency attached by ClinVar (database versions not stated): gnomAD exomes 0.00001 and 0.00004; TOPMed 0.00001; gnomAD 0.00002; ExAC 0.00005; ESP Exome Variant Server 0.00010.
gnomAD v4.1: 17 of 1,209,070 alleles (0.0014%); highest among the groups gnomAD compares: South Asian, 0.0053%; no homozygotes.

Submissions (3):

Ambry Genetics
Classification: Benign for Familial thoracic aortic aneurysm and aortic dissection. Last evaluated: 2026-07-06. Review status: criteria provided, single submitter. Criteria: Ambry Variant Classification Scheme 2023. Collection method: clinical testing. Allele origin: germline.

CeGaT Center for Human Genetics Tuebingen
Classification: Likely benign. Last evaluated: 2026-03-01. Review status: criteria provided, single submitter. Criteria: CeGaT Center For Human Genetics Tuebingen Variant Classification Criteria Version 2. Collection method: clinical testing. Allele origin: germline. Affected: yes. Observed: 1 variant allele.
Comment: FLNA: BP4, BS2

Labcorp Genetics (formerly Invitae), Labcorp
Classification: Likely benign for Oto-palato-digital syndrome, type II; Heterotopia, periventricular, X-linked dominant; Frontometaphyseal dysplasia; Melnick-Needles syndrome. Last evaluated: 2025-10-14. Review status: criteria provided, single submitter. Criteria: Invitae Variant Classification Sherloc (09022015). Collection method: clinical testing. Allele origin: germline.